The following is an entry in ClinVar:

ClinVar aggregate classification (germline): Likely benign (1 of 4 stars; one submission).

Allele frequency attached by ClinVar (database versions not stated): 1000 Genomes Project 0.00339; 1000 Genomes Project 30x 0.00344; TOPMed 0.00357; ESP Exome Variant Server 0.00369; ExAC 0.00420; gnomAD 0.00429; gnomAD exomes 0.00512.
gnomAD v4.1: 8,101 of 1,613,980 alleles (0.5%); highest among the groups gnomAD compares: Non-Finnish European, 0.55%; 20 homozygotes.

Submission:

CeGaT Center for Human Genetics Tuebingen
Classification: Likely benign. Last evaluated: 2023-03-01. Review status: criteria provided, single submitter. Criteria: CeGaT Center For Human Genetics Tuebingen Variant Classification Criteria Version 2. Collection method: clinical testing. Allele origin: germline. Affected: yes. Observed: 2 variant alleles.
Comment: CEP350: BP4, BP7, BS2

NM_014810.5(CEP350):c.8682C>T (p.Thr2894=)

Gene: CEP350 (centrosomal protein 350; plus strand). Cytogenetic location: 1q25.2.
Variant type: single nucleotide variant.
Coding change: c.8682C>T on transcript NM_014810.5 (MANE Select); coding-DNA position 8682, C replaced by T.
Protein change: p.Thr2894=; no amino-acid change (threonine 2894 retained).
Molecular consequence: synonymous variant.
Genome position (GRCh38, 1-based): chr1:180,095,693, C>T. VCF-style: chr1-180095693-C-T. GRCh37 (hg19) VCF-style: chr1-180064828-C-T.
Identifiers: ClinVar variation 2639598 (VCV002639598.24), dbSNP rs149481021, ClinGen allele CA1270908.